The following is an entry in ClinVar:

ClinVar aggregate classification (germline): Uncertain significance. Review status: criteria provided, multiple submitters, no conflicts (2 of 4 stars). 3 submissions from 3 submitters: Uncertain significance (3). Last evaluated 2024-10-13.

Conditions:
Pheochromocytoma. Also called: MAX-Related Hereditary Paraganglioma-Pheochromocytoma Syndrome. Identifiers: Orphanet 29072, MedGen C0031511, MONDO:0008233, OMIM 171300, HP:0002666.
Hereditary cancer-predisposing syndrome. Also called: Hereditary neoplastic syndrome; Hereditary Cancer Syndrome; Tumor predisposition; Neoplastic Syndromes, Hereditary. Identifiers: Orphanet 140162, MedGen C0027672, MeSH D009386, MONDO:0015356.
Hereditary pheochromocytoma and paraganglioma. Also called: Hereditary pheochromocytoma-paraganglioma; Hereditary Paraganglioma-Pheochromocytoma Syndromes; Hereditary paragangliomas and pheochromocytomas. Identifiers: Orphanet 29072, MedGen C4274332, MONDO:0017366.

Submissions (3):

Ambry Genetics
Classification: Uncertain significance for Hereditary cancer-predisposing syndrome. Last evaluated: 2024-10-13. Review status: criteria provided, single submitter. Criteria: Ambry Variant Classification Scheme 2023. Collection method: clinical testing. Allele origin: germline.
Comment: The p.P16L variant (also known as c.47C>T), located in coding exon 2 of the MAX gene, results from a C to T substitution at nucleotide position 47. The proline at codon 16 is replaced by leucine, an amino acid with similar properties. This amino acid position is conserved. In addition, this alteration is predicted to be deleterious by in silico analysis. Since supporting evidence is limited at this time, the clinical significance of this alteration remains unclear.

Baylor Genetics
Classification: Uncertain significance for Pheochromocytoma. Last evaluated: 2023-11-03. Review status: criteria provided, single submitter. Criteria: ACMG Guidelines, 2015. Collection method: clinical testing. Allele origin: unknown.

Labcorp Genetics (formerly Invitae), Labcorp
Classification: Uncertain significance for Hereditary pheochromocytoma and paraganglioma. Last evaluated: 2022-11-30. Review status: criteria provided, single submitter. Criteria: Invitae Variant Classification Sherloc (09022015). Collection method: clinical testing. Allele origin: germline.
Comment: In summary, the available evidence is currently insufficient to determine the role of this variant in disease. Therefore, it has been classified as a Variant of Uncertain Significance. Algorithms developed to predict the effect of missense changes on protein structure and function (SIFT, PolyPhen-2, Align-GVGD) all suggest that this variant is likely to be tolerated. ClinVar contains an entry for this variant (Variation ID: 1006095). This variant has not been reported in the literature in individuals affected with MAX-related conditions. This variant is not present in population databases (gnomAD no frequency). This sequence change replaces proline, which is neutral and non-polar, with leucine, which is neutral and non-polar, at codon 16 of the MAX protein (p.Pro16Leu).

NM_002382.5(MAX):c.47C>T (p.Pro16Leu)

Gene: MAX (MYC associated transcriptional regulator X; minus strand). Cytogenetic location: 14q23.3.
Variant type: single nucleotide variant.
Coding change: c.47C>T on transcript NM_002382.5 (MANE Select); coding-DNA position 47, C replaced by T.
Protein change: p.Pro16Leu; replaces proline 16 with leucine.
Molecular consequence: missense variant. On other transcripts: 5 prime UTR variant (1), intron variant (3).
Genome position (GRCh38, 1-based): chr14:65,101,562, G>A on the plus strand (C>T on the coding strand, the complement: MAX is on the minus strand). VCF-style: chr14-65101562-G-A. GRCh37 (hg19) VCF-style: chr14-65568280-G-A.
Other names: c.-228C>T (NM_001320415.2); c.47C>T, p.Pro16Leu (NM_145113.3, NM_145114.3, NM_197957.4); c.36+742C>T (NM_001271069.2, NM_145112.3, NM_001271068.2); short protein forms P16L.
Identifiers: ClinVar variation 1006095 (VCV001006095.11), dbSNP rs2063834899, ClinGen allele CA390038765.
Genomic context (GRCh38, chr14:65,101,562, plus strand): 5'-GAACTGAACGGAAATAAAAATGAAATGGAGAGTAGGAGACGTACCGCAGATTGAAACCTC[G>A]GTTGCTCTTCCTGGAATAAGAGAGAAAAAAAAAAATAGAAAATATAGAAGTTATTTTTAC-3'
Protein context (NP_002373.3, residues 6-26): DIEVESDEEQ[Pro16Leu]RFQSAADKRA